The following is an entry in ClinVar:

ClinVar aggregate classification (germline): Likely pathogenic (1 of 4 stars; one submission).

Conditions:
Autosomal recessive nonsyndromic hearing loss 12. Also called: DEAFNESS, AUTOSOMAL RECESSIVE 12. Identifiers: Orphanet 90636, MedGen C1832394, MONDO:0011067, OMIM 601386.

Submission:

Institute of Rare Diseases, West China Hospital, Sichuan University
Classification: Likely pathogenic for Autosomal recessive nonsyndromic hearing loss 12. Last evaluated: 2025-01-09. Review status: criteria provided, single submitter. Criteria: ClinGen HL ACMG Specifications v1. Collection method: research. Allele origin: germline. Affected: yes.
Comment: PVS1;PM2_Supporting

NM_022124.6(CDH23):c.3934C>T (p.Gln1312Ter)

Genes: C10orf105 (chromosome 10 open reading frame 105; minus strand), CDH23 (cadherin related 23; plus strand). Cytogenetic location: 10q22.1.
Variant type: single nucleotide variant.
Coding change: c.3934C>T on transcript NM_022124.6 (MANE Select); coding-DNA position 3934, C replaced by T.
Protein change: p.Gln1312Ter; replaces glutamine 1312 with a stop codon.
Molecular consequence: nonsense. On other transcripts: intron variant (1).
Genome position (GRCh38, 1-based): chr10:71,732,205, C>T. VCF-style: chr10-71732205-C-T. GRCh37 (hg19) VCF-style: chr10-73491962-C-T.
Other names: c.3934C>T, p.Gln1312Ter (NM_001171930.2); c.-6+5523G>A (NM_001168390.2); short protein forms Q1312*.
Identifiers: ClinVar variation 3601298 (VCV003601298.1).